The following is an entry in ClinVar:

ClinVar aggregate classification (germline): Uncertain significance. Review status: criteria provided, multiple submitters, no conflicts (2 of 4 stars). 2 submissions from 2 submitters: Uncertain significance (2). Last evaluated 2026-01-04.

Conditions:
Hereditary cancer-predisposing syndrome. Also called: Hereditary Cancer Syndrome; Neoplastic Syndromes, Hereditary; Tumor predisposition; Hereditary neoplastic syndrome. Identifiers: Orphanet 140162, MedGen C0027672, MeSH D009386, MONDO:0015356.
Ataxia-telangiectasia syndrome (AT). Also called: Cerebello-oculocutaneous telangiectasia; Immunodeficiency with ataxia telangiectasia; Ataxia-telangiectasia, complementation group E; Ataxia-telangiectasia, complementation group D; AT, COMPLEMENTATION GROUP C; ATAXIA-TELANGIECTASIA, COMPLEMENTATION GROUP A. Identifiers: Orphanet 100, MedGen C0004135, MONDO:0008840, OMIM 208900.

Allele frequency attached by ClinVar (database versions not stated): gnomAD exomes below 0.00001.
gnomAD v4.1: 1 of 1,613,806 alleles (0.000062%); highest among the groups gnomAD compares: Non-Finnish European, 0.000085%; no homozygotes.

Submissions (2):

Labcorp Genetics (formerly Invitae), Labcorp
Classification: Uncertain significance for Ataxia-telangiectasia syndrome. Last evaluated: 2026-01-04. Review status: criteria provided, single submitter. Criteria: Invitae Variant Classification Sherloc (09022015). Collection method: clinical testing. Allele origin: germline.
Comment: This sequence change replaces tyrosine, which is neutral and polar, with histidine, which is basic and polar, at codon 2437 of the ATM protein (p.Tyr2437His). This variant is not present in population databases (gnomAD no frequency). This variant has not been reported in the literature in individuals affected with ATM-related conditions. ClinVar contains an entry for this variant (Variation ID: 579258). An algorithm developed to predict the effect of missense changes on protein structure and function (PolyPhen-2) suggests that this variant is likely to be disruptive. In summary, the available evidence is currently insufficient to determine the role of this variant in disease. Therefore, it has been classified as a Variant of Uncertain Significance.

Ambry Genetics
Classification: Uncertain significance for Hereditary cancer-predisposing syndrome. Last evaluated: 2025-02-06. Review status: criteria provided, single submitter. Criteria: Ambry Variant Classification Scheme 2023. Collection method: clinical testing. Allele origin: germline.
Comment: The p.Y2437H variant (also known as c.7309T>C), located in coding exon 49 of the ATM gene, results from a T to C substitution at nucleotide position 7309. The tyrosine at codon 2437 is replaced by histidine, an amino acid with similar properties. This amino acid position is highly conserved in available vertebrate species. In addition, this alteration is predicted to be deleterious by in silico analysis. Based on the available evidence, the clinical significance of this variant remains unclear.

NM_000051.4(ATM):c.7309T>C (p.Tyr2437His)

Genes: ATM (ATM serine/threonine kinase; plus strand), C11orf65 (chromosome 11 open reading frame 65; minus strand). Cytogenetic location: 11q22.3.
Variant type: single nucleotide variant.
Coding change: c.7309T>C on transcript NM_000051.4 (MANE Select); coding-DNA position 7309, T replaced by C.
Protein change: p.Tyr2437His; replaces tyrosine 2437 with histidine.
Molecular consequence: missense variant. On other transcripts: intron variant (2).
Genome position (GRCh38, 1-based): chr11:108,330,215, T>C. VCF-style: chr11-108330215-T-C. GRCh37 (hg19) VCF-style: chr11-108200942-T-C.
Other names: c.7309T>C, p.Tyr2437His (NM_001351834.2); c.641-21144A>G (NM_001330368.2); c.*38+5005A>G (NM_001351110.2); short protein forms Y2437H.
Identifiers: ClinVar variation 579258 (VCV000579258.12), dbSNP rs1565529213, ClinGen allele CA382559860.